The following is an entry in ClinVar:

NM_006073.4(TRDN):c.2158A>C (p.Asn720His)

Gene: TRDN (triadin; minus strand). Cytogenetic location: 6q22.31.
Variant type: single nucleotide variant.
Coding change: c.2158A>C on transcript NM_006073.4 (MANE Select); coding-DNA position 2158, A replaced by C.
Protein change: p.Asn720His; replaces asparagine 720 with histidine.
Molecular consequence: missense variant.
Genome position (GRCh38, 1-based): chr6:123,218,633, T>G on the plus strand (A>C on the coding strand, the complement: TRDN is on the minus strand). VCF-style: chr6-123218633-T-G. GRCh37 (hg19) VCF-style: chr6-123539778-T-G.
Other names: short protein forms N720H.
Identifiers: ClinVar variation 3810181 (VCV003810181.1).

ClinVar aggregate classification (germline): Uncertain significance (1 of 4 stars; one submission).

Conditions:
Cardiovascular phenotype. Identifiers: MedGen CN230736.

Submission:

Ambry Genetics
Classification: Uncertain significance for Cardiovascular phenotype. Last evaluated: 2025-02-23. Review status: criteria provided, single submitter. Criteria: Ambry Variant Classification Scheme 2023. Collection method: clinical testing. Allele origin: germline.
Comment: The p.N720H variant (also known as c.2158A>C), located in coding exon 41 of the TRDN gene, results from an A to C substitution at nucleotide position 2158. The asparagine at codon 720 is replaced by histidine, an amino acid with similar properties. This amino acid position is conserved. In addition, this alteration is predicted to be tolerated by in silico analysis. Based on the available evidence, the clinical significance of this variant remains unclear.